The following is an entry in ClinVar:

NM_001184.4(ATR):c.6326G>T (p.Arg2109Leu)

Gene: ATR (ATR checkpoint kinase; minus strand). Cytogenetic location: 3q23.
Variant type: single nucleotide variant.
Coding change: c.6326G>T on transcript NM_001184.4 (MANE Select); coding-DNA position 6326, G replaced by T.
Protein change: p.Arg2109Leu; replaces arginine 2109 with leucine.
Molecular consequence: missense variant.
Genome position (GRCh38, 1-based): chr3:142,469,563, C>A on the plus strand (G>T on the coding strand, the complement: ATR is on the minus strand). VCF-style: chr3-142469563-C-A. GRCh37 (hg19) VCF-style: chr3-142188405-C-A.
Other names: c.6134G>T, p.Arg2045Leu (NM_001354579.2); short protein forms R2045L, R2109L.
Identifiers: ClinVar variation 3221249 (VCV003221249.1), dbSNP rs755849743, ClinGen allele CA354805409.

ClinVar aggregate classification (germline): Uncertain significance (1 of 4 stars; one submission).

Conditions:
Inborn genetic diseases. Identifiers: MedGen C0950123, MeSH D030342.

Submission:

Ambry Genetics
Classification: Uncertain significance for Inborn genetic diseases. Last evaluated: 2023-11-10. Review status: criteria provided, single submitter. Criteria: Ambry Variant Classification Scheme 2023. Collection method: clinical testing. Allele origin: germline.
Comment: The p.R2109L variant (also known as c.6326G>T), located in coding exon 38 of the ATR gene, results from a G to T substitution at nucleotide position 6326. The arginine at codon 2109 is replaced by leucine, an amino acid with dissimilar properties. This amino acid position is conserved. In addition, this alteration is predicted to be tolerated by in silico analysis. Since supporting evidence is limited at this time, the clinical significance of this alteration remains unclear.